The following is an entry in ClinVar:

NM_032043.3(BRIP1):c.1545A>G (p.Glu515=)

Gene: BRIP1 (BRCA1 interacting DNA helicase 1; minus strand). Cytogenetic location: 17q23.2.
Variant type: single nucleotide variant.
Coding change: c.1545A>G on transcript NM_032043.3 (MANE Select); coding-DNA position 1545, A replaced by G.
Protein change: p.Glu515=; no amino-acid change (glutamic acid 515 retained).
Molecular consequence: synonymous variant.
Genome position (GRCh38, 1-based): chr17:61,784,353, T>C on the plus strand (A>G on the coding strand, the complement: BRIP1 is on the minus strand). VCF-style: chr17-61784353-T-C. GRCh37 (hg19) VCF-style: chr17-59861714-T-C.
Identifiers: ClinVar variation 3378438 (VCV003378438.1).
Genomic context (GRCh38, chr17:61,784,353, plus strand): 5'-GTCAAGTACCATAAAAAGTCCTTTAAGCATTATTTGAGTTGATGCACTAATAACAGGTAC[T>C]TCTCTTGCCTCCTCTTTACCATAAATTGGTGAGATTTTTTCCTCTTTTTGAAGAACAGCA-3'
Protein context (NP_114432.2, residues 505-525): SPIYGKEEAR[Glu515=]VPVISASTQI

ClinVar aggregate classification (germline): Benign (1 of 4 stars; one submission).

Conditions:
Familial cancer of breast. Also called: hereditary breast carcinoma; Hereditary breast cancer; BREAST CANCER, FAMILIAL. Identifiers: Orphanet 227535, MedGen C0346153, MONDO:0016419, OMIM 114480. Disease mechanism: loss of function.

Submission:

Myriad Genetics, Inc.
Classification: Benign for Familial cancer of breast. Last evaluated: 2024-08-28. Review status: criteria provided, single submitter. Criteria: Myriad Autosomal Dominant, Autosomal Recessive and X-Linked Classification Criteria (2023). Collection method: clinical testing. Allele origin: unknown.
Comment: This variant is considered benign. This variant is a silent/synonymous amino acid change and it is not expected to impact splicing.